The following is an entry in ClinVar:

NM_001114753.3(ENG):c.343C>T (p.Pro115Ser)

Gene: ENG (endoglin; minus strand). Cytogenetic location: 9q34.11.
Variant type: single nucleotide variant.
Coding change: c.343C>T on transcript NM_001114753.3 (MANE Select); coding-DNA position 343, C replaced by T.
Protein change: p.Pro115Ser; replaces proline 115 with serine.
Molecular consequence: missense variant. On other transcripts: 5 prime UTR variant (1).
Genome position (GRCh38, 1-based): chr9:127,829,704, G>A on the plus strand (C>T on the coding strand, the complement: ENG is on the minus strand). VCF-style: chr9-127829704-G-A. GRCh37 (hg19) VCF-style: chr9-130591983-G-A.
Other names: c.343C>T (NM_001114753.1); c.343C>T, p.Pro115Ser (NM_000118.4, NM_001406715.1); c.-204C>T (NM_001278138.2); short protein forms P115S.
Identifiers: ClinVar variation 1009371 (VCV001009371.12), dbSNP rs759368120, ClinGen allele CA374985729.
Genomic context (GRCh38, chr9:127,829,704, plus strand): 5'-CATGGCCAGAGCCTCAGCCTGGGGTTGGAGGGAACACACTCACGTAGGCCAAGTGCAGTG[G>A]GATTCCCAGGGCCTGGAGATGCAGGAAGACACTGCTGTTTACACTGAGGACCAGAAGCAC-3'
Protein context (NP_001108225.1, residues 105-125): VFLHLQALGI[Pro115Ser]LHLAYNSSLV

ClinVar aggregate classification (germline): Uncertain significance. Review status: criteria provided, multiple submitters, no conflicts (2 of 4 stars). 2 submissions from 2 submitters: Uncertain significance (2). Last evaluated 2026-05-23.

Conditions:
Cardiovascular phenotype. Identifiers: MedGen CN230736.
Hereditary hemorrhagic telangiectasia (HHT). Also called: Osler hemorrhagic telangiectasia syndrome; ORW DISEASE; Osler Weber Rendu syndrome; OSLER-RENDU-WEBER DISEASE. Identifiers: Orphanet 774, MedGen C0039445, MONDO:0019180. Disease mechanism: loss of function.

Submissions (2):

Ambry Genetics
Classification: Uncertain significance for Cardiovascular phenotype. Last evaluated: 2026-05-23. Review status: criteria provided, single submitter. Criteria: Ambry Variant Classification Scheme 2023. Collection method: clinical testing. Allele origin: germline.

Labcorp Genetics (formerly Invitae), Labcorp
Classification: Uncertain significance for Hereditary hemorrhagic telangiectasia. Last evaluated: 2020-09-17. Review status: criteria provided, single submitter. Criteria: Invitae Variant Classification Sherloc (09022015). Collection method: clinical testing. Allele origin: germline.
Comment: This sequence change replaces proline with serine at codon 115 of the ENG protein (p.Pro115Ser). The proline residue is moderately conserved and there is a moderate physicochemical difference between proline and serine. This variant is not present in population databases (ExAC no frequency). This variant has not been reported in the literature in individuals with ENG-related conditions. Advanced modeling of protein sequence and biophysical properties (such as structural, functional, and spatial information, amino acid conservation, physicochemical variation, residue mobility, and thermodynamic stability) performed at Invitae indicates that this missense variant is not expected to disrupt ENG protein function. In summary, the available evidence is currently insufficient to determine the role of this variant in disease. Therefore, it has been classified as a Variant of Uncertain Significance.